The following is an entry in ClinVar:

NM_015681.6(B9D1):c.55A>G (p.Ser19Gly)

Genes: B9D1 (B9 domain containing 1; minus strand), LOC130060455 (ATAC-STARR-seq lymphoblastoid silent region 8288; plus strand). Cytogenetic location: 17p11.2.
Variant type: single nucleotide variant.
Coding change: c.55A>G on transcript NM_015681.6 (MANE Select); coding-DNA position 55, A replaced by G.
Protein change: p.Ser19Gly; replaces serine 19 with glycine.
Molecular consequence: missense variant. On other transcripts: intron variant (1).
Genome position (GRCh38, 1-based): chr17:19,362,515, T>C on the plus strand (A>G on the coding strand, the complement: B9D1 is on the minus strand). VCF-style: chr17-19362515-T-C. GRCh37 (hg19) VCF-style: chr17-19265828-T-C.
Other names: c.55A>G, p.Ser19Gly (NM_001321214.2, NM_001321215.3, NM_001321216.2 and 4 more transcripts); c.-297-2127A>G (NM_001368769.2); short protein forms S19G.
Identifiers: ClinVar variation 1504984 (VCV001504984.8), dbSNP rs1280021718, ClinGen allele CA398699809.
Genomic context (GRCh38, chr17:19,362,515, plus strand): 5'-GGCCCCGGGGGACGCTGGGGGGCGGGCCCCGGCGGGGTCCACGGCCGCTCACCTGGGCGC[T>C]CTCCACCTGCCCGTTGACCATGAGTAGAAAGACGCTAGGACTCGCGGTCGCCATGGCAGG-3'
Protein context (NP_056496.1, residues 9-29): FLLMVNGQVE[Ser19Gly]AQFPEYDDLY

ClinVar aggregate classification (germline): Uncertain significance (1 of 4 stars; one submission).

Conditions:
Meckel-Gruber syndrome. Also called: DYSENCEPHALIA SPLANCHNOCYSTICA; GRUBER SYNDROME; Dysencephalia splachnocystica. Identifiers: Orphanet 564, MedGen C0265215, MONDO:0018921.
Joubert syndrome. Also called: CEREBELLOPARENCHYMAL DISORDER IV; JOUBERT-BOLTSHAUSER SYNDROME; Familial aplasia of the vermis. Identifiers: Orphanet 475, MedGen C5979921, MONDO:0018772.

Submission:

Labcorp Genetics (formerly Invitae), Labcorp
Classification: Uncertain significance for Joubert syndrome; Meckel-Gruber syndrome. Last evaluated: 2022-02-02. Review status: criteria provided, single submitter. Criteria: Invitae Variant Classification Sherloc (09022015). Collection method: clinical testing. Allele origin: germline.
Comment: In summary, the available evidence is currently insufficient to determine the role of this variant in disease. Therefore, it has been classified as a Variant of Uncertain Significance. Algorithms developed to predict the effect of missense changes on protein structure and function are either unavailable or do not agree on the potential impact of this missense change (SIFT: "Deleterious"; PolyPhen-2: "Benign"; Align-GVGD: "Class C0"). This variant has not been reported in the literature in individuals affected with B9D1-related conditions. This variant is not present in population databases (gnomAD no frequency). This sequence change replaces serine, which is neutral and polar, with glycine, which is neutral and non-polar, at codon 19 of the B9D1 protein (p.Ser19Gly).